The following is an entry in ClinVar:

NM_001377540.1(SLMAP):c.646C>T (p.Arg216Trp)

Gene: SLMAP (sarcolemma associated protein; plus strand). Cytogenetic location: 3p14.3.
Variant type: single nucleotide variant.
Coding change: c.646C>T on transcript NM_001377540.1 (MANE Select); coding-DNA position 646, C replaced by T.
Protein change: p.Arg216Trp; replaces arginine 216 with tryptophan.
Molecular consequence: missense variant. On other transcripts: non-coding transcript variant (1).
Genome position (GRCh38, 1-based): chr3:57,858,118, C>T. VCF-style: chr3-57858118-C-T. GRCh37 (hg19) VCF-style: chr3-57843845-C-T.
Other names: c.646C>T, p.Arg216Trp (NM_001304420.3, NM_001304421.2, NM_001377538.1 and 17 more transcripts); short protein forms R216W.
Identifiers: ClinVar variation 655093 (VCV000655093.10), dbSNP rs367733735, ClinGen allele CA2466893.
Genomic context (GRCh38, chr3:57,858,118, plus strand): 5'-TTTTACTTACATTTAATTTTTCTTCAATAGGCTTTAATAGATGAAGATAGACTCTTATCA[C>T]GGTTAGAAGTTATGGGAAACCAATTACAGGCATGCTCCAAAGTAGGTATTAACCTCAAAT-3'
Protein context (NP_001364469.1, residues 206-226): ALIDEDRLLS[Arg216Trp]LEVMGNQLQA

ClinVar aggregate classification (germline): Uncertain significance. Review status: criteria provided, multiple submitters, no conflicts (2 of 4 stars). 3 submissions from 3 submitters: Uncertain significance (3). Last evaluated 2025-04-12.

Conditions:
Brugada syndrome. Also called: Sudden unexplained nocturnal death syndrome; Sudden Unexplained Death Syndrome; Sudden Unexplained Nocturnal Death Syndrome (SUNDS); Sudden unexpected nocturnal death syndrome. Identifiers: Orphanet 130, MedGen C1142166, MONDO:0015263.

Allele frequency attached by ClinVar (database versions not stated): ExAC 0.00002; gnomAD 0.00002; gnomAD exomes 0.00002; TOPMed 0.00004; ESP Exome Variant Server 0.00008.

Submissions (3):

Ambry Genetics
Classification: Uncertain significance. Last evaluated: 2025-04-12. Review status: criteria provided, single submitter. Criteria: Ambry Variant Classification Scheme 2023. Collection method: clinical testing. Allele origin: germline.

Labcorp Genetics (formerly Invitae), Labcorp
Classification: Uncertain significance for Brugada syndrome. Last evaluated: 2024-09-14. Review status: criteria provided, single submitter. Criteria: Invitae Variant Classification Sherloc (09022015). Collection method: clinical testing. Allele origin: germline.
Comment: This sequence change replaces arginine, which is basic and polar, with tryptophan, which is neutral and slightly polar, at codon 216 of the SLMAP protein (p.Arg216Trp). This variant is present in population databases (rs367733735, gnomAD 0.004%). This variant has not been reported in the literature in individuals affected with SLMAP-related conditions. ClinVar contains an entry for this variant (Variation ID: 655093). An algorithm developed to predict the effect of missense changes on protein structure and function (PolyPhen-2) suggests that this variant is likely to be disruptive. In summary, the available evidence is currently insufficient to determine the role of this variant in disease. Therefore, it has been classified as a Variant of Uncertain Significance.

Women's Health and Genetics/Laboratory Corporation of America, LabCorp
Classification: Uncertain significance. Last evaluated: 2024-07-14. Review status: criteria provided, single submitter. Criteria: LabCorp Variant Classification Summary - May 2015. Collection method: clinical testing. Allele origin: germline.